The following is an entry in ClinVar:

NM_020821.3(VPS13C):c.9769C>T (p.Gln3257Ter)

Gene: VPS13C (vacuolar protein sorting 13 homolog C; minus strand). Cytogenetic location: 15q22.2.
Variant type: single nucleotide variant.
Coding change: c.9769C>T on transcript NM_020821.3 (MANE Select); coding-DNA position 9769, C replaced by T.
Protein change: p.Gln3257Ter; replaces glutamine 3257 with a stop codon.
Molecular consequence: nonsense.
Genome position (GRCh38, 1-based): chr15:61,881,570, G>A on the plus strand (C>T on the coding strand, the complement: VPS13C is on the minus strand). VCF-style: chr15-61881570-G-A. GRCh37 (hg19) VCF-style: chr15-62173769-G-A.
Other names: c.9769C>T, p.Gln3257Ter (NM_001018088.3); c.9640C>T, p.Gln3214Ter (NM_017684.5, NM_018080.4); short protein forms Q3214*, Q3257*.
Identifiers: ClinVar variation 2993124 (VCV002993124.4), dbSNP rs1229922592, ClinGen allele CA392672850.

ClinVar aggregate classification (germline): Pathogenic. Review status: criteria provided, multiple submitters, no conflicts (2 of 4 stars). 2 submissions from 2 submitters: Pathogenic (2). Last evaluated 2026-05-05.

Conditions:
Autosomal recessive early-onset Parkinson disease 23. Identifiers: Orphanet 2828, MedGen C4225186, MONDO:0014796, OMIM 616840.

Allele frequency attached by ClinVar (database versions not stated): gnomAD exomes below 0.00001; TOPMed below 0.00001.
gnomAD v4.1: 5 of 1,606,698 alleles (0.00031%); highest among the groups gnomAD compares: Non-Finnish European, 0.00042%; no homozygotes.

Submissions (2):

Women's Health and Genetics/Laboratory Corporation of America, LabCorp
Classification: Pathogenic for Autosomal recessive early-onset Parkinson disease 23. Last evaluated: 2026-05-05. Review status: criteria provided, single submitter. Criteria: LabCorp Variant Classification Summary - May 2015. Collection method: clinical testing. Allele origin: germline.
Comment: Variant summary: VPS13C c.9769C>T (p.Gln3257X) results in a premature termination codon, predicted to cause a truncation of the encoded protein or absence of the protein due to nonsense mediated decay, which are commonly known mechanisms for disease. Loss-of-function variants in this gene are known to be pathogenic. The frequency data for this variant in gnomAD is considered unreliable, as metrics indicate poor data quality at this position. To our knowledge, no occurrence of c.9769C>T in individuals affected with VPS13C-related conditions and no experimental evidence demonstrating its impact on protein function have been reported. ClinVar contains an entry for this variant (Variation ID: 2993124). Based on the evidence outlined above, the variant was classified as pathogenic.

Labcorp Genetics (formerly Invitae), Labcorp
Classification: Pathogenic. Last evaluated: 2023-11-05. Review status: criteria provided, single submitter. Criteria: Invitae Variant Classification Sherloc (09022015). Collection method: clinical testing. Allele origin: germline.
Comment: This sequence change creates a premature translational stop signal (p.Gln3257*) in the VPS13C gene. It is expected to result in an absent or disrupted protein product. Loss-of-function variants in VPS13C are known to be pathogenic (PMID: 26942284, 34875562). This variant is not present in population databases (gnomAD no frequency). This variant has not been reported in the literature in individuals affected with VPS13C-related conditions. Algorithms developed to predict the effect of sequence changes on RNA splicing suggest that this variant may disrupt the consensus splice site. For these reasons, this variant has been classified as Pathogenic.

Literature cited by the submitters: PubMed 26942284 (cited by Labcorp Genetics (formerly Invitae), Labcorp); PubMed 34875562 (cited by Labcorp Genetics (formerly Invitae), Labcorp).